The following is an entry in ClinVar:

Conditions:
Long QT syndrome 5 (LQT5). Identifiers: Orphanet 101016, Orphanet 768, MedGen C1867904, MONDO:0013372, OMIM 613695.

Submission:

Roden Lab, Vanderbilt University Medical Center
No classification provided (evidence only). Condition: Long QT syndrome 5. Review status: no classification provided. Collection method: in vitro. Allele origin: not applicable. Functional consequence: Effect on ion channel function.
ClinVar note: "not provided" was previously submitted as the classification for the variant. However, the classification appeared to be based only on an observation of functional data so it was converted to no classification on 2025-07-30.

NM_000219.6(KCNE1):c.140T>G (p.Val47Gly)

Gene: KCNE1 (potassium voltage-gated channel subfamily E regulatory subunit 1; minus strand). Cytogenetic location: 21q22.12.
Variant type: single nucleotide variant.
Coding change: c.140T>G on transcript NM_000219.6 (MANE Select); coding-DNA position 140, T replaced by G.
Protein change: p.Val47Gly; replaces valine 47 with glycine.
Molecular consequence: missense variant.
Genome position (GRCh38, 1-based): chr21:34,449,495, A>C on the plus strand (T>G on the coding strand, the complement: KCNE1 is on the minus strand). VCF-style: chr21-34449495-A-C. GRCh37 (hg19) VCF-style: chr21-35821793-A-C.
Other names: c.140T>G, p.Val47Gly (NM_001127668.4, NM_001127669.4, NM_001127670.4 and 4 more transcripts); short protein forms V47G.
Identifiers: ClinVar variation 3374151 (VCV003374151.2).